The following is an entry in ClinVar:

NM_001365480.1(CCDC88A):c.5086G>A (p.Val1696Ile)

Gene: CCDC88A (coiled-coil and HOOK domain protein 88A; minus strand). Cytogenetic location: 2p16.1.
Variant type: single nucleotide variant.
Coding change: c.5086G>A on transcript NM_001365480.1 (MANE Select); coding-DNA position 5086, G replaced by A.
Protein change: p.Val1696Ile; replaces valine 1696 with isoleucine.
Molecular consequence: missense variant.
Genome position (GRCh38, 1-based): chr2:55,296,263, C>T on the plus strand (G>A on the coding strand, the complement: CCDC88A is on the minus strand). VCF-style: chr2-55296263-C-T. GRCh37 (hg19) VCF-style: chr2-55523399-C-T.
Other names: c.5083G>A, p.Val1695Ile (NM_001135597.2, NM_001254943.2); c.5002G>A, p.Val1668Ile (NM_018084.5); short protein forms V1695I, V1668I, V1696I.
Identifiers: ClinVar variation 818163 (VCV000818163.7), dbSNP rs140794014, ClinGen allele CA1665411.

ClinVar aggregate classification (germline): Conflicting classifications of pathogenicity. Review status: criteria provided, conflicting classifications (1 of 4 stars). 3 submissions from 3 submitters: Uncertain significance (2); Likely benign (1). Last evaluated 2025-07-01.

Conditions:
PEHO syndrome (PEHO). Also called: PROGRESSIVE ENCEPHALOPATHY WITH EDEMA, HYPSARRHYTHMIA, AND OPTIC ATROPHY. Identifiers: Orphanet 2836, Orphanet 99807, MedGen C1850055, MONDO:0009841, OMIM 260565.

Allele frequency attached by ClinVar (database versions not stated): ESP Exome Variant Server 0.00008; TOPMed 0.00017; gnomAD 0.00018 and 0.00019; gnomAD exomes 0.00022 and 0.00026; ExAC 0.00024.
gnomAD v4.1: 415 of 1,613,564 alleles (0.026%); highest among the groups gnomAD compares: Non-Finnish European, 0.031%; no homozygotes.

Submissions (3):

GeneDx
Classification: Uncertain significance. Last evaluated: 2025-07-01. Review status: criteria provided, single submitter. Criteria: GeneDx Variant Classification Process June 2021. Collection method: clinical testing. Allele origin: germline. Affected: yes.
Comment: In silico analysis suggests that this missense variant does not alter protein structure/function; Has not been previously published as pathogenic or benign to our knowledge

Labcorp Genetics (formerly Invitae), Labcorp
Classification: Uncertain significance. Last evaluated: 2024-01-19. Review status: criteria provided, single submitter. Criteria: Invitae Variant Classification Sherloc (09022015). Collection method: clinical testing. Allele origin: germline.
Comment: This sequence change replaces valine, which is neutral and non-polar, with isoleucine, which is neutral and non-polar, at codon 1695 of the CCDC88A protein (p.Val1695Ile). This variant is present in population databases (rs140794014, gnomAD 0.04%). This variant has not been reported in the literature in individuals affected with CCDC88A-related conditions. ClinVar contains an entry for this variant (Variation ID: 818163). Algorithms developed to predict the effect of missense changes on protein structure and function output the following: SIFT: "Not Available"; PolyPhen-2: "Benign"; Align-GVGD: "Not Available". The isoleucine amino acid residue is found in multiple mammalian species, which suggests that this missense change does not adversely affect protein function. In summary, the available evidence is currently insufficient to determine the role of this variant in disease. Therefore, it has been classified as a Variant of Uncertain Significance.

Ambry Genetics
Classification: Likely benign. Last evaluated: 2021-09-17. Review status: criteria provided, single submitter. Criteria: Ambry Variant Classification Scheme 2023. Collection method: clinical testing. Allele origin: germline.